The following is an entry in ClinVar:

NM_001267550.2(TTN):c.5993G>A (p.Arg1998His)

Gene: TTN (titin; minus strand). Cytogenetic location: 2q31.2.
Variant type: single nucleotide variant.
Coding change: c.5993G>A on transcript NM_001267550.2 (MANE Select); coding-DNA position 5993, G replaced by A.
Protein change: p.Arg1998His; replaces arginine 1998 with histidine.
Molecular consequence: missense variant.
Genome position (GRCh38, 1-based): chr2:178,775,871, C>T on the plus strand (G>A on the coding strand, the complement: TTN is on the minus strand). VCF-style: chr2-178775871-C-T. GRCh37 (hg19) VCF-style: chr2-179640598-C-T.
Other names: p.R1998H:CGC>CAC; c.5993G>A, p.Arg1998His (NM_001256850.1, NM_133378.4, NM_133379.5); c.5855G>A, p.Arg1952His (NM_003319.4, NM_133432.3, NM_133437.4); short protein forms R1998H, R1952H.
Identifiers: ClinVar variation 47256 (VCV000047256.78), dbSNP rs144135510, ClinGen allele CA140473.
Genomic context (GRCh38, chr2:178,775,871, plus strand): 5'-AGCTCCACAGCGGTAATGGCTTCATAATAGCCCTCTTCTGTTCTGCGCTTGAATTTACTG[C>T]GCAGCTCTTCCGACTCTTCAGGCACTTTTTCATGGGTAATTCTTTCAGCCCTTTTCAACT-3'
Protein context (NP_001254479.2, residues 1988-2008): EKVPEESEEL[Arg1998His]SKFKRRTEEG

ClinVar aggregate classification (germline): Conflicting classifications of pathogenicity. Review status: criteria provided, conflicting classifications (1 of 4 stars). 24 submissions from 20 submitters: Uncertain significance (3); Benign (9); Likely benign (5). 7 of the submissions do not count toward it. Last evaluated 2026-09-01.

Conditions:
TTN-related myopathy. Identifiers: MedGen CN294812, MONDO:0100175.
Cardiovascular phenotype. Identifiers: MedGen CN230736.
Autosomal recessive limb-girdle muscular dystrophy type 2J (LGMDR10). Also called: MUSCULAR DYSTROPHY, LIMB-GIRDLE, AUTOSOMAL RECESSIVE 10; Limb-girdle muscular dystrophy, type 2J. Identifiers: Orphanet 140922, MedGen C1837342, MONDO:0012127, OMIM 608807.
Dilated cardiomyopathy 1G (CMD1G). Identifiers: Orphanet 154, MedGen C1858763, MONDO:0011400, OMIM 604145.
Cardiomyopathy (CMYO). Also called: Cardiomyopathies. Identifiers: Orphanet 167848, MedGen C0878544, MONDO:0004994, HP:0001638. Inheritance: Various modes of inheritance.
Early-onset myopathy with fatal cardiomyopathy (CMYO5). Also called: CONGENITAL MYOPATHY 5 WITH CARDIOMYOPATHY; Salih Myopathy. Identifiers: Orphanet 289377, MedGen C2673677, MONDO:0012714, OMIM 611705. Disease mechanism: loss of function.
Myopathy, myofibrillar, 9, with early respiratory failure (MFM9). Also called: Myopathy, distal, with early respiratory failure, autosomal dominant; Hereditary myopathy with early respiratory failure; EDSTROM MYOPATHY; MYOPATHY, PROXIMAL, WITH EARLY RESPIRATORY MUSCLE INVOLVEMENT. Identifiers: Orphanet 178464, Orphanet 34521, MedGen C1863599, MONDO:0011362, OMIM 603689.
Tibial muscular dystrophy (TMD). Also called: Tibial muscular dystrophy, tardive; Udd Distal Myopathy – Tibial Muscular Dystrophy; UDD MYOPATHY. Identifiers: Orphanet 609, MedGen C1838244, MONDO:0010870, OMIM 600334.
Tip-toe gait. Also called: Toe walking. Identifiers: MedGen C0427144, HP:0030051.

Allele frequency attached by ClinVar (database versions not stated): 1000 Genomes Project 30x 0.00187; ESP Exome Variant Server 0.00077; TOPMed 0.00045; 1000 Genomes Project 0.00160.
gnomAD v4.1: 1,482 of 1,614,130 alleles (0.092%); highest among the groups gnomAD compares: South Asian, 0.77%; 15 homozygotes.

Submissions 1 to 16 of 24:

CeGaT Center for Human Genetics Tuebingen
Classification: Likely benign. Last evaluated: 2026-09-01. Review status: criteria provided, single submitter. Criteria: CeGaT Center For Human Genetics Tuebingen Variant Classification Criteria Version 2. Collection method: clinical testing. Allele origin: germline. Affected: yes. Observed: 34 variant alleles.
Comment: TTN: BS2

Labcorp Genetics (formerly Invitae), Labcorp
Classification: Benign for Dilated cardiomyopathy 1G; Autosomal recessive limb-girdle muscular dystrophy type 2J. Last evaluated: 2026-02-03. Review status: criteria provided, single submitter. Criteria: Invitae Variant Classification Sherloc (09022015). Collection method: clinical testing. Allele origin: germline.

Molecular Diagnostic Laboratory for Inherited Cardiovascular Disease, Montreal Heart Institute
Classification: Benign. Last evaluated: 2025-04-09. Review status: criteria provided, single submitter. Criteria: ACMG Guidelines, 2015. Collection method: clinical testing. Allele origin: germline. Affected: no.

Blueprint Genetics
Classification: Likely benign. Last evaluated: 2024-11-26. Review status: criteria provided, single submitter. Criteria: ACMG Guidelines, 2015. Collection method: clinical testing. Allele origin: germline.

Molecular Genetics, Royal Melbourne Hospital
Classification: Likely benign for TTN-related myopathy. Last evaluated: 2023-06-06. Review status: criteria provided, single submitter. Criteria: ACMG Guidelines, 2015. Collection method: clinical testing. Allele origin: germline. Inheritance: Autosomal recessive inheritance. Affected: no.

CHEO Genetics Diagnostic Laboratory, Children's Hospital of Eastern Ontario
Classification: Benign for Cardiomyopathy. Last evaluated: 2021-10-19. Review status: criteria provided, single submitter. Criteria: ACMG Guidelines, 2015. Collection method: clinical testing. Allele origin: germline.

Women's Health and Genetics/Laboratory Corporation of America, LabCorp
Classification: Benign. Last evaluated: 2019-10-07. Review status: criteria provided, single submitter. Criteria: LabCorp Variant Classification Summary - May 2015. Collection method: clinical testing. Allele origin: germline.
Comment: Variant summary: TTN c.5993G>A (p.Arg1998His) results in a non-conservative amino acid change located in the near Z-disk / I-band region of the encoded protein sequence. Four of five in-silico tools predict a damaging effect of the variant on protein function. The variant allele was found at a frequency of 0.0016 in 250982 control chromosomes, predominantly at a frequency of 0.0075 within the South Asian subpopulation in the gnomAD database, including 3 homozygotes. The observed variant frequency within South Asian control individuals in the gnomAD database is approximately 12 fold of the estimated maximal expected allele frequency for a pathogenic variant in TTN causing Cardiomyopathy phenotype (0.00063), strongly suggesting that the variant is a benign polymorphism found primarily in populations of South Asian origin. To our knowledge, no occurrence of c.5993G>A in individuals affected with Cardiomyopathy and no experimental evidence demonstrating its impact on protein function have been reported. Four ClinVar submissions (evaluation after 2014) cite the variant as benign. Based on the evidence outlined above, the variant was classified as benign.

Laboratory for Molecular Medicine, Mass General Brigham Personalized Medicine
Classification: Benign. Last evaluated: 2017-12-18. Review status: criteria provided, single submitter. Criteria: LMM Criteria. Collection method: clinical testing. Allele origin: germline. Observed: 5 variant alleles.
Comment: proposed classification - variant undergoing re-assessment, contact laboratory

Illumina Laboratory Services, Illumina
Classification: Uncertain significance for Autosomal recessive limb-girdle muscular dystrophy type 2J. Last evaluated: 2017-04-27. Review status: criteria provided, single submitter. Criteria: ICSL Variant Classification Criteria 13 December 2019. Collection method: clinical testing. Allele origin: germline.
Comment: This variant was observed as part of a predisposition screen in an ostensibly healthy population. A literature search was performed for the gene, cDNA change, and amino acid change (where applicable). Publications were found based on this search. However, the evidence from the literature, in combination with allele frequency data from public databases where available, was not sufficient to rule this variant in or out of causing disease. Therefore, this variant is classified as a variant of unknown significance.

Illumina Laboratory Services, Illumina
Classification: Benign for Tibial muscular dystrophy. Last evaluated: 2017-04-27. Review status: criteria provided, single submitter. Criteria: ICSL Variant Classification Criteria 13 December 2019. Collection method: clinical testing. Allele origin: germline.
Comment: This variant was observed as part of a predisposition screen in an ostensibly healthy population. A literature search was performed for the gene, cDNA change, and amino acid change (where applicable). Publications were found based on this search. The evidence from the literature, in combination with allele frequency data from public databases where available, was sufficient to rule this variant out of causing disease. Therefore, this variant is classified as benign.

Illumina Laboratory Services, Illumina
Classification: Likely benign for Dilated cardiomyopathy 1G. Last evaluated: 2017-04-27. Review status: criteria provided, single submitter. Criteria: ICSL Variant Classification Criteria 13 December 2019. Collection method: clinical testing. Allele origin: germline.
Comment: This variant was observed as part of a predisposition screen in an ostensibly healthy population. A literature search was performed for the gene, cDNA change, and amino acid change (where applicable). Publications were found based on this search. The evidence from the literature, in combination with allele frequency data from public databases where available, was sufficient to determine this variant is unlikely to cause disease. Therefore, this variant is classified as likely benign.

Illumina Laboratory Services, Illumina
Classification: Uncertain significance for Early-onset myopathy with fatal cardiomyopathy. Last evaluated: 2017-04-27. Review status: criteria provided, single submitter. Criteria: ICSL Variant Classification Criteria 13 December 2019. Collection method: clinical testing. Allele origin: germline.
Comment: the same text as in the submission from Illumina Laboratory Services, Illumina above.

Illumina Laboratory Services, Illumina
Classification: Benign for Myopathy, myofibrillar, 9, with early respiratory failure. Last evaluated: 2017-04-27. Review status: criteria provided, single submitter. Criteria: ICSL Variant Classification Criteria 13 December 2019. Collection method: clinical testing. Allele origin: germline.
Comment: the same text as in the submission from Illumina Laboratory Services, Illumina above.

Athena Diagnostics
Classification: Benign. Last evaluated: 2016-08-22. Review status: criteria provided, single submitter. Criteria: Athena Diagnostics Criteria. Collection method: clinical testing. Allele origin: germline.

Eurofins Ntd Llc (ga)
Classification: Benign. Last evaluated: 2015-09-03. Review status: criteria provided, single submitter. Criteria: EGL Classification Definitions 2015. Collection method: clinical testing. Allele origin: germline. Observed: 1 variant allele, 1 heterozygote.

Biesecker Lab/Clinical Genomics Section, National Institutes of Health
Classification: Likely benign. Last evaluated: 2013-06-24. Review status: criteria provided, single submitter. Criteria: Ng et al. (Circ Cardiovasc Genet. 2013). Collection method: research. Allele origin: unknown. Observed: 2 variant alleles. Study: ClinSeq.
Comment: The study set was not selected for affection status in relation to any cancer. Pathogenicity categories were based on literature curation. See Pubmed ID:23861362 for details.

Medical sequencing